The following is an entry in ClinVar:

ClinVar aggregate classification (germline): Benign/Likely benign. Review status: criteria provided, multiple submitters, no conflicts (2 of 4 stars). 4 submissions from 4 submitters: Benign (2); Likely benign (2). Last evaluated 2025-07-17.

Allele frequency attached by ClinVar (database versions not stated): 1000 Genomes Project 30x 0.00203; 1000 Genomes Project 0.00240; gnomAD 0.00280; TOPMed 0.00288; ESP Exome Variant Server 0.00377.
gnomAD v4.1: 986 of 1,612,800 alleles (0.061%); highest among the groups gnomAD compares: African/African-American, 0.96%; no homozygotes.

Submissions (4):

Labcorp Genetics (formerly Invitae), Labcorp
Classification: Benign. Last evaluated: 2025-07-17. Review status: criteria provided, single submitter. Criteria: Invitae Variant Classification Sherloc (09022015). Collection method: clinical testing. Allele origin: germline.

CeGaT Center for Human Genetics Tuebingen
Classification: Likely benign. Last evaluated: 2025-07-01. Review status: criteria provided, single submitter. Criteria: CeGaT Center For Human Genetics Tuebingen Variant Classification Criteria Version 2. Collection method: clinical testing. Allele origin: germline. Affected: yes. Observed: 1 variant allele.
Comment: ARHGEF10: BP4, BP7

Blueprint Genetics
Classification: Likely benign. Last evaluated: 2024-08-28. Review status: criteria provided, single submitter. Criteria: ACMG Guidelines, 2015. Collection method: clinical testing. Allele origin: germline.

Breakthrough Genomics
Classification: Benign. Review status: criteria provided, single submitter. Criteria: ACMG Guidelines, 2015. Collection method: not provided. Allele origin: germline. Inheritance: Autosomal dominant inheritance. Affected: yes.

NM_014629.4(ARHGEF10):c.3915G>A (p.Ser1305=)

Gene: ARHGEF10 (Rho guanine nucleotide exchange factor 10; plus strand). Cytogenetic location: 8p23.3.
Variant type: single nucleotide variant.
Coding change: c.3915G>A on transcript NM_014629.4 (MANE Select); coding-DNA position 3915, G replaced by A.
Protein change: p.Ser1305=; no amino-acid change (serine 1305 retained).
Molecular consequence: synonymous variant.
Genome position (GRCh38, 1-based): chr8:1,957,143, G>A. VCF-style: chr8-1957143-G-A. GRCh37 (hg19) VCF-style: chr8-1905309-G-A.
Other names: c.3801G>A, p.Ser1267= (NM_001308152.2); c.3915G>A, p.Ser1305= (NM_001308153.3).
Identifiers: ClinVar variation 731103 (VCV000731103.18), dbSNP rs139084783, ClinGen allele CA4601529.